The following is an entry in ClinVar:

NM_000040.3(APOC3):c.271G>A (p.Val91Ile)

Gene: APOC3 (apolipoprotein C3; plus strand). Cytogenetic location: 11q23.3.
Variant type: single nucleotide variant.
Coding change: c.271G>A on transcript NM_000040.3 (MANE Select); coding-DNA position 271, G replaced by A.
Protein change: p.Val91Ile; replaces valine 91 with isoleucine.
Molecular consequence: missense variant.
Genome position (GRCh38, 1-based): chr11:116,832,855, G>A. VCF-style: chr11-116832855-G-A. GRCh37 (hg19) VCF-style: chr11-116703571-G-A.
Other names: short protein forms V91I.
Identifiers: ClinVar variation 1722343 (VCV001722343.2), dbSNP rs764157867, ClinGen allele CA6289701.

ClinVar aggregate classification (germline): Uncertain significance. Review status: criteria provided, multiple submitters, no conflicts (2 of 4 stars). 2 submissions from 2 submitters: Uncertain significance (2). Last evaluated 2025-10-24.

Conditions:
Cardiovascular phenotype. Identifiers: MedGen CN230736.

Allele frequency attached by ClinVar (database versions not stated): gnomAD 0.00004; gnomAD exomes 0.00001; ExAC 0.00002; TOPMed 0.00006.

Submissions (2):

Ambry Genetics
Classification: Uncertain significance for Cardiovascular phenotype. Last evaluated: 2025-10-24. Review status: criteria provided, single submitter. Criteria: Ambry Variant Classification Scheme 2023. Collection method: clinical testing. Allele origin: germline.

Women's Health and Genetics/Laboratory Corporation of America, LabCorp
Classification: Uncertain significance. Last evaluated: 2022-09-26. Review status: criteria provided, single submitter. Criteria: LabCorp Variant Classification Summary - May 2015. Collection method: clinical testing. Allele origin: germline.
Comment: Variant summary: APOC3 c.271G>A (p.Val91Ile) results in a conservative amino acid change in the encoded protein sequence. Four of four in-silico tools predict a benign effect of the variant on protein function. The variant allele was found at a frequency of 1.6e-05 in 251374 control chromosomes. The available data on variant occurrences in the general population are insufficient to allow any conclusion about variant significance. To our knowledge, no occurrence of c.271G>A in individuals affected with Early Onset Coronary Artery Disease and no experimental evidence demonstrating its impact on protein function have been reported. No clinical diagnostic laboratories have submitted clinical-significance assessments for this variant to ClinVar after 2014. Based on the evidence outlined above, the variant was classified as uncertain significance.